The following is an entry in ClinVar:

ClinVar aggregate classification (germline): Likely pathogenic (1 of 4 stars; one submission).

Conditions:
Hereditary cancer-predisposing syndrome. Also called: Hereditary Cancer Syndrome; Hereditary neoplastic syndrome; Neoplastic Syndromes, Hereditary; Tumor predisposition. Identifiers: Orphanet 140162, MedGen C0027672, MeSH D009386, MONDO:0015356.

Submission:

Ambry Genetics
Classification: Likely pathogenic for Hereditary cancer-predisposing syndrome. Last evaluated: 2025-03-18. Review status: criteria provided, single submitter. Criteria: Ambry Variant Classification Scheme 2023. Collection method: clinical testing. Allele origin: germline.
Comment: The p.W2101* variant (also known as c.6302G>A), located in coding exon 15 of the APC gene, results from a G to A substitution at nucleotide position 6302. This changes the amino acid from a tryptophan to a stop codon within coding exon 15. This alteration occurs at the 3' terminus of theAPC gene, is not expected to trigger nonsense-mediated mRNA decay, and impacts the last 26% of the protein. However, premature stop codons are typically deleterious in nature, a significant portion of the protein is affected, and the impacted region is critical for protein function (Ambry internal data). This variant is considered to be rare based on population cohorts in the Genome Aggregation Database (gnomAD). Based on the majority of available evidence to date, this variant is likely to be pathogenic.

NM_000038.6(APC):c.6302G>A (p.Trp2101Ter)

Gene: APC (APC regulator of Wnt signaling pathway; plus strand). Cytogenetic location: 5q22.2.
Variant type: single nucleotide variant.
Coding change: c.6302G>A on transcript NM_000038.6 (MANE Select); coding-DNA position 6302, G replaced by A.
Protein change: p.Trp2101Ter; replaces tryptophan 2101 with a stop codon.
Molecular consequence: nonsense. On other transcripts: non-coding transcript variant (2).
Genome position (GRCh38, 1-based): chr5:112,841,896, G>A. VCF-style: chr5-112841896-G-A. GRCh37 (hg19) VCF-style: chr5-112177593-G-A.
Other names: c.6302G>A, p.Trp2101Ter (NM_001127510.3, NM_001354895.2, NM_001407450.1); c.6248G>A, p.Trp2083Ter (NM_001127511.3); c.6356G>A, p.Trp2119Ter (NM_001354896.2, NM_001407447.1, NM_001407448.1 and 1 more transcripts); c.6332G>A, p.Trp2111Ter (NM_001354897.2); c.6227G>A, p.Trp2076Ter (NM_001354898.2); c.6218G>A, p.Trp2073Ter (NM_001354899.2); c.6179G>A, p.Trp2060Ter (NM_001354900.2); c.6125G>A, p.Trp2042Ter (NM_001354901.2, NM_001407453.1); and 11 more; short protein forms W1941*, W1972*, W2018*, W2042*, W2060*, W2083*, W2094*, W2129*.
Identifiers: ClinVar variation 3927853 (VCV003927853.1).